The following is an entry in ClinVar:

ClinVar aggregate classification (germline): Pathogenic (1 of 4 stars; one submission).

gnomAD v4.1: 1 of 1,613,902 alleles (0.000062%); highest among the groups gnomAD compares: Non-Finnish European, 0.000085%; no homozygotes.

Submission:

Labcorp Genetics (formerly Invitae), Labcorp
Classification: Pathogenic. Last evaluated: 2024-03-18. Review status: criteria provided, single submitter. Criteria: Invitae Variant Classification Sherloc (09022015). Collection method: clinical testing. Allele origin: germline.
Comment: This sequence change creates a premature translational stop signal (p.Gln44*) in the ADAMTS13 gene. It is expected to result in an absent or disrupted protein product. Loss-of-function variants in ADAMTS13 are known to be pathogenic (PMID: 11586351, 12753286, 21781265). This variant is present in population databases (no rsID available, gnomAD 0.0009%). This premature translational stop signal has been observed in individual(s) with thrombotic thrombocytopenic purpura (PMID: 12614216). For these reasons, this variant has been classified as Pathogenic.

Literature cited by the submitters: PubMed 11586351; PubMed 12753286; PubMed 21781265; PubMed 12614216.

NM_139027.6(ADAMTS13):c.130C>T (p.Gln44Ter)

Gene: ADAMTS13 (ADAM metallopeptidase with thrombospondin type 1 motif 13; plus strand). Cytogenetic location: 9q34.2.
Variant type: single nucleotide variant.
Coding change: c.130C>T on transcript NM_139027.6 (MANE Select); coding-DNA position 130, C replaced by T.
Protein change: p.Gln44Ter; replaces glutamine 44 with a stop codon.
Molecular consequence: nonsense. On other transcripts: non-coding transcript variant (1).
Genome position (GRCh38, 1-based): chr9:133,423,125, C>T. VCF-style: chr9-133423125-C-T. GRCh37 (hg19) VCF-style: chr9-136288245-C-T.
Other names: c.130C>T, p.Gln44Ter (NM_139025.5, NM_139026.6); short protein forms Q44*.
Identifiers: ClinVar variation 3720917 (VCV003720917.2).
Genomic context (GRCh38, chr9:133,423,125, plus strand): 5'-TATGCCCGGCCCCATCCATCTCTTTTTGTCTTGCAGAGTTGTCTTCAGGCTTTGGAGCCA[C>T]AGGCCGTGTCTTCTTACTTGAGCCCTGGTGCTCCCTTAAAAGGTACTTGTCCTGGTGTCT-3'